The following is an entry in ClinVar:

NM_001267550.2(TTN):c.2416G>A (p.Asp806Asn)

Gene: TTN (titin; minus strand). Cytogenetic location: 2q31.2.
Variant type: single nucleotide variant.
Coding change: c.2416G>A on transcript NM_001267550.2 (MANE Select); coding-DNA position 2416, G replaced by A.
Protein change: p.Asp806Asn; replaces aspartic acid 806 with asparagine.
Molecular consequence: missense variant.
Genome position (GRCh38, 1-based): chr2:178,785,697, C>T on the plus strand (G>A on the coding strand, the complement: TTN is on the minus strand). VCF-style: chr2-178785697-C-T. GRCh37 (hg19) VCF-style: chr2-179650424-C-T.
Other names: c.2416G>A, p.Asp806Asn (NM_001256850.1, NM_133378.4, NM_133379.5); c.2278G>A, p.Asp760Asn (NM_003319.4, NM_133432.3, NM_133437.4); short protein forms D760N, D806N.
Identifiers: ClinVar variation 4993132 (VCV004993132.1).
Genomic context (GRCh38, chr2:178,785,697, plus strand): 5'-TCTTAGGAACAGAAATTTTTGAAACAGTAAAGTGAGGGCTAGCTGTGCGGGGGCGTTTAT[C>T]CACATGGACTAATCTTTCCGTTGTTAGATCTGTAGTTTTCTTGATCTGCATTGAAATGAA-3'
Protein context (NP_001254479.2, residues 796-816): DLTTERLVHV[Asp806Asn]KRPRTASPHF

ClinVar aggregate classification (germline): Uncertain significance (1 of 4 stars; one submission).

Conditions:
TTN-related disorder. Also called: TTN-related disorders; TTN-related condition; TTN-related disease.

Submission:

PreventionGenetics, part of Exact Sciences
Classification: Uncertain significance for TTN-related condition. Last evaluated: 2025-08-19. Review status: criteria provided, single submitter. Criteria: ACMG Guidelines, 2015. Collection method: clinical testing. Allele origin: germline.
Comment: The TTN c.2416G>A variant is predicted to result in the amino acid substitution p.Asp806Asn. To our knowledge, this variant has not been reported in the literature or in a large population database (gnomAD), indicating this variant is rare. At this time, the clinical significance of this variant is uncertain due to the absence of conclusive functional and genetic evidence.